The following is an entry in ClinVar:

NM_017675.6(CDHR2):c.2304C>T (p.Tyr768=)

Gene: CDHR2 (cadherin related family member 2; plus strand). Cytogenetic location: 5q35.2.
Variant type: single nucleotide variant.
Coding change: c.2304C>T on transcript NM_017675.6 (MANE Select); coding-DNA position 2304, C replaced by T.
Protein change: p.Tyr768=; no amino-acid change (tyrosine 768 retained).
Molecular consequence: synonymous variant.
Genome position (GRCh38, 1-based): chr5:176,584,585, C>T. VCF-style: chr5-176584585-C-T. GRCh37 (hg19) VCF-style: chr5-176011586-C-T.
Other names: c.2304C>T, p.Tyr768= (NM_001171976.2).
Identifiers: ClinVar variation 3905195 (VCV003905195.10).

ClinVar aggregate classification (germline): Likely benign (1 of 4 stars; one submission).

gnomAD v4.1: 106 of 1,607,722 alleles (0.0066%); highest among the groups gnomAD compares: Middle Eastern, 0.033%; no homozygotes.

Submission:

CeGaT Center for Human Genetics Tuebingen
Classification: Likely benign. Last evaluated: 2025-05-01. Review status: criteria provided, single submitter. Criteria: CeGaT Center For Human Genetics Tuebingen Variant Classification Criteria Version 2. Collection method: clinical testing. Allele origin: germline. Affected: yes. Observed: 1 variant allele.
Comment: CDHR2: BP4, BP7